The following is an entry in ClinVar:

NM_000092.5(COL4A4):c.4386C>G (p.Tyr1462Ter)

Gene: COL4A4 (collagen type IV alpha 4 chain; minus strand). Cytogenetic location: 2q36.3.
Variant type: single nucleotide variant.
Coding change: c.4386C>G on transcript NM_000092.5 (MANE Select); coding-DNA position 4386, C replaced by G.
Protein change: p.Tyr1462Ter; replaces tyrosine 1462 with a stop codon.
Molecular consequence: nonsense.
Genome position (GRCh38, 1-based): chr2:227,010,449, G>C on the plus strand (C>G on the coding strand, the complement: COL4A4 is on the minus strand). VCF-style: chr2-227010449-G-C. GRCh37 (hg19) VCF-style: chr2-227875165-G-C.
Other names: short protein forms Y1462*.
Identifiers: ClinVar variation 3638538 (VCV003638538.2).

ClinVar aggregate classification (germline): Pathogenic (1 of 4 stars; one submission).

Submission:

Labcorp Genetics (formerly Invitae), Labcorp
Classification: Pathogenic. Last evaluated: 2024-02-02. Review status: criteria provided, single submitter. Criteria: Invitae Variant Classification Sherloc (09022015). Collection method: clinical testing. Allele origin: germline.
Comment: This sequence change creates a premature translational stop signal (p.Tyr1462*) in the COL4A4 gene. It is expected to result in an absent or disrupted protein product. Loss-of-function variants in COL4A4 are known to be pathogenic (PMID: 21196518, 24854265, 25307543). This variant is not present in population databases (gnomAD no frequency). This variant has not been reported in the literature in individuals affected with COL4A4-related conditions. For these reasons, this variant has been classified as Pathogenic.

Literature cited by the submitters: PubMed 21196518; PubMed 24854265; PubMed 25307543.